The following is an entry in ClinVar:

NM_006493.4(CLN5):c.127C>T (p.Arg43Trp)

Genes: CLN5 (CLN5 lysosomal BMP synthase; plus strand), LOC130009913 (ATAC-STARR-seq lymphoblastoid silent region 5414; plus strand). Cytogenetic location: 13q22.3.
Variant type: single nucleotide variant.
Coding change: c.127C>T on transcript NM_006493.4 (MANE Select); coding-DNA position 127, C replaced by T.
Protein change: p.Arg43Trp; replaces arginine 43 with tryptophan.
Molecular consequence: missense variant.
Genome position (GRCh38, 1-based): chr13:76,992,225, C>T. VCF-style: chr13-76992225-C-T. GRCh37 (hg19) VCF-style: chr13-77566360-C-T.
Other names: c.127C>T, p.Arg43Trp (NM_001366624.2); short protein forms R43W.
Identifiers: ClinVar variation 1477876 (VCV001477876.6), dbSNP rs1213074445, ClinGen allele CA388306673.

ClinVar aggregate classification (germline): Uncertain significance (1 of 4 stars; one submission).

Conditions:
Neuronal ceroid lipofuscinosis. Also called: Neuronal Ceroid Lipofuscinoses. Identifiers: Orphanet 216, Orphanet 79263, MedGen C0027877, MONDO:0016295. Disease mechanism: loss of function.

Allele frequency attached by ClinVar (database versions not stated): gnomAD exomes below 0.00001.
gnomAD v4.1: 1 of 1,595,942 alleles (0.000063%); highest among the groups gnomAD compares: Non-Finnish European, 0.000085%; no homozygotes.

Submission:

Labcorp Genetics (formerly Invitae), Labcorp
Classification: Uncertain significance for Neuronal ceroid lipofuscinosis. Last evaluated: 2023-12-18. Review status: criteria provided, single submitter. Criteria: Invitae Variant Classification Sherloc (09022015). Collection method: clinical testing. Allele origin: germline.
Comment: This sequence change replaces arginine, which is basic and polar, with tryptophan, which is neutral and slightly polar, at codon 92 of the CLN5 protein (p.Arg92Trp). This variant is not present in population databases (gnomAD no frequency). This variant has not been reported in the literature in individuals affected with CLN5-related conditions. ClinVar contains an entry for this variant (Variation ID: 1477876). Advanced modeling of protein sequence and biophysical properties (such as structural, functional, and spatial information, amino acid conservation, physicochemical variation, residue mobility, and thermodynamic stability) performed at Invitae indicates that this missense variant is not expected to disrupt CLN5 protein function with a negative predictive value of 80%. In summary, the available evidence is currently insufficient to determine the role of this variant in disease. Therefore, it has been classified as a Variant of Uncertain Significance.